The following is an entry in ClinVar:

ClinVar aggregate classification (germline): Uncertain significance. Review status: criteria provided, multiple submitters, no conflicts (2 of 4 stars). 4 submissions from 4 submitters: Uncertain significance (4). Last evaluated 2024-10-16.

Conditions:
Inborn genetic diseases. Identifiers: MedGen C0950123, MeSH D030342.
Asphyxiating thoracic dystrophy 3. Also called: SHORT-RIB THORACIC DYSPLASIA 3 WITH OR WITHOUT POLYDACTYLY; POLYDACTYLY WITH NEONATAL CHONDRODYSTROPHY, TYPE I; SHORT-RIB THORACIC DYSPLASIA 3/6 WITH POLYDACTYLY, DIGENIC; Short rib polydactyly syndrome 2B; Saldino-Noonan Syndrome. Identifiers: Orphanet 474, Orphanet 93269, Orphanet 93270, Orphanet 93271, MedGen C0036069, MONDO:0013127, OMIM 613091.
Jeune thoracic dystrophy. Also called: Infantile thoracic dystrophy; Thoracic pelvic phalangeal dystrophy; Jeune's syndrome; Chondroectodermal dysplasia-like syndrome; Jeune syndrome; Short-rib thoracic dysplasia. Identifiers: Orphanet 474, MedGen C0265275, MONDO:0018770.

Allele frequency attached by ClinVar (database versions not stated): gnomAD exomes below 0.00001; gnomAD 0.00002; TOPMed 0.00002; ExAC 0.00004.
gnomAD v4.1: 18 of 1,498,074 alleles (0.0012%); highest among the groups gnomAD compares: East Asian, 0.018%; no homozygotes.

Submissions (4):

Blueprint Genetics
Classification: Uncertain significance. Last evaluated: 2024-10-16. Review status: criteria provided, single submitter. Criteria: ACMG Guidelines, 2015. Collection method: clinical testing. Allele origin: germline.

Labcorp Genetics (formerly Invitae), Labcorp
Classification: Uncertain significance for Jeune thoracic dystrophy. Last evaluated: 2022-09-19. Review status: criteria provided, single submitter. Criteria: Invitae Variant Classification Sherloc (09022015). Collection method: clinical testing. Allele origin: germline.
Comment: This sequence change replaces alanine, which is neutral and non-polar, with serine, which is neutral and polar, at codon 1794 of the DYNC2H1 protein (p.Ala1794Ser). The frequency data for this variant in the population databases is considered unreliable, as metrics indicate poor data quality at this position in the gnomAD database. This variant has not been reported in the literature in individuals affected with DYNC2H1-related conditions. ClinVar contains an entry for this variant (Variation ID: 1445172). Advanced modeling of protein sequence and biophysical properties (such as structural, functional, and spatial information, amino acid conservation, physicochemical variation, residue mobility, and thermodynamic stability) performed at Invitae indicates that this missense variant is expected to disrupt DYNC2H1 protein function. In summary, the available evidence is currently insufficient to determine the role of this variant in disease. Therefore, it has been classified as a Variant of Uncertain Significance.

Ambry Genetics
Classification: Uncertain significance for Inborn genetic diseases. Last evaluated: 2022-01-19. Review status: criteria provided, single submitter. Criteria: Ambry Variant Classification Scheme 2023. Collection method: clinical testing. Allele origin: germline.

Department of Pathology and Laboratory Medicine, Sinai Health System
Classification: Uncertain significance for asphyxiating thoracic dystrophy 3. Last evaluated: 2021-12-03. Review status: criteria provided, single submitter. Criteria: ACMG Guidelines, 2015. Collection method: research. Allele origin: germline.

NM_001377.3(DYNC2H1):c.5380G>T (p.Ala1794Ser)

Gene: DYNC2H1 (dynein cytoplasmic 2 heavy chain 1; plus strand). Cytogenetic location: 11q22.3.
Variant type: single nucleotide variant.
Coding change: c.5380G>T on transcript NM_001377.3 (MANE Select); coding-DNA position 5380, G replaced by T.
Protein change: p.Ala1794Ser; replaces alanine 1794 with serine.
Molecular consequence: missense variant.
Genome position (GRCh38, 1-based): chr11:103,173,127, G>T. VCF-style: chr11-103173127-G-T. GRCh37 (hg19) VCF-style: chr11-103043856-G-T.
Other names: c.5380G>T (NM_001080463.1); c.5380G>T, p.Ala1794Ser (NM_001080463.2); short protein forms A1794S.
Identifiers: ClinVar variation 1445172 (VCV001445172.6), dbSNP rs761506672, ClinGen allele CA6253752.